The following is an entry in ClinVar:

ClinVar aggregate classification (germline): Pathogenic (1 of 4 stars; one submission).

Conditions:
Combined immunodeficiency due to LRBA deficiency. Also called: Common variable immunodeficiency 8, with autoimmunity. Identifiers: Orphanet 445018, MedGen C3553512, MONDO:0013863, OMIM 614700.

Submission:

Labcorp Genetics (formerly Invitae), Labcorp
Classification: Pathogenic for Combined immunodeficiency due to LRBA deficiency. Last evaluated: 2023-06-03. Review status: criteria provided, single submitter. Criteria: Invitae Variant Classification Sherloc (09022015). Collection method: clinical testing. Allele origin: germline.
Comment: For these reasons, this variant has been classified as Pathogenic. This variant has not been reported in the literature in individuals affected with LRBA-related conditions. This variant is present in population databases (no rsID available, gnomAD 0.01%). This sequence change creates a premature translational stop signal (p.Gln1331Tyrfs*16) in the LRBA gene. It is expected to result in an absent or disrupted protein product. Loss-of-function variants in LRBA are known to be pathogenic (PMID: 26206937, 26768763).

Literature cited by the submitters: PubMed 26206937; PubMed 26768763.

NM_001364905.1(LRBA):c.3989_3990dup (p.Gln1331fs)

Gene: LRBA (LPS responsive beige-like anchor protein; minus strand). Cytogenetic location: 4q31.3.
Variant type: Microsatellite.
Coding change: c.3989_3990dup on transcript NM_001364905.1 (MANE Select); coding-DNA positions 3989 to 3990, 2 bases duplicated (TA; older notation c.3989_3990dupTA).
Protein change: p.Gln1331fs; shifts the reading frame from glutamine 1331.
Molecular consequence: frameshift variant.
Genome position (GRCh38, 1-based): chr4:150,850,738-150,850,739, TA duplicated on the plus strand (TA on the coding strand, the reverse complement: LRBA is on the minus strand); duplicating any 2 consecutive bases within chr4:150,850,738-150,850,742 gives the same sequence; the c. name uses the placement nearest the transcript's 3' end. VCF-style (leftmost placement, unchanged base first): chr4-150850737-G-GTA. GRCh37 (hg19) VCF-style: chr4-151771889-G-GTA.
Other names: c.3986_3987AT[3], p.Gln1331Tyrfs (NM_001199282.3, NM_006726.5); c.3989_3990dup, p.Gln1331fs (NM_001367550.1); short protein forms Q1331fs.
Identifiers: ClinVar variation 2761567 (VCV002761567.3), dbSNP rs1323477178, ClinGen allele CA555970281.